The following is an entry in ClinVar:

ClinVar aggregate classification (germline): Pathogenic/Likely pathogenic. Review status: criteria provided, multiple submitters, no conflicts (2 of 4 stars). 7 submissions from 7 submitters: Pathogenic (4); Likely pathogenic (2). 1 of the submissions does not count toward it. Last evaluated 2025-12-18.

Conditions:
8q24.3 microdeletion syndrome. Also called: Verheij syndrome; CHROMOSOME 8q24.3 DELETION SYNDROME. Identifiers: Orphanet 508488, MedGen C3810023, MONDO:0014263, OMIM 615583.
Inborn genetic diseases. Identifiers: MedGen C0950123, MeSH D030342.

Submissions (7):

Laboratory of Human Genetics, Universidade de São Paulo
Classification: Pathogenic for 8q24.3 microdeletion syndrome. Last evaluated: 2025-12-18. Review status: criteria provided, single submitter. Criteria: ACMG Guidelines, 2015. Collection method: research. Allele origin: de novo. Affected: yes. Observed: 1 variant allele.
Comment: Heterozygous variant classified as pathogenic according to ACMG/AMP guidelines (PM1, PM2, PM6, PP3, PP5).

3billion
Classification: Pathogenic for 8q24.3 microdeletion syndrome. Last evaluated: 2025-07-30. Review status: criteria provided, single submitter. Criteria: ACMG Guidelines, 2015. Collection method: clinical testing. Allele origin: germline. Affected: yes.
Comment: The variant is not observed in the gnomAD v4.1.0 dataset. Predicted Consequence/Location: Missense variant Functional studies provide moderate evidence of the variant having a damaging effect on the gene or gene product (PMID: 29788428). In silico tool predictions suggest damaging effect of the variant on gene or gene product [REVEL: 0.66 (>=0.6, sensitivity 0.68 and specificity 0.92); 3Cnet: 0.99 (> 0.75, sensitivity 0.96 and precision 0.92)]. The same nucleotide change resulting in the same amino acid change has been previously reported as pathogenic/likely pathogenic with strong evidence (ClinVar ID: VCV000425567 /PMID: 28327570). The variant has been observed in at least two similarly affected unrelated individuals (PMID: 28327570, 28471317). Therefore, this variant is classified as Pathogenic according to the recommendation of ACMG/AMP guideline.

Ambry Genetics
Classification: Pathogenic for Inborn genetic diseases. Last evaluated: 2025-03-13. Review status: criteria provided, single submitter. Criteria: Ambry Variant Classification Scheme 2023. Collection method: clinical testing. Allele origin: germline.
Comment: The c.541G>A (p.E181K) alteration is located in exon 7 of the PUF60 gene. This alteration results from a G to A substitution at nucleotide position 541, causing the glutamic acid (E) at amino acid position 181 to be replaced by a lysine (K). This variant was not reported in population-based cohorts in the Genome Aggregation Database (gnomAD). This variant was determined to be de novo in at least one individual with features consistent with Verheij syndrome (Graziano, 2017; Low, 2017; Santos-Simarro, 2017). This amino acid position is highly conserved in available vertebrate species. This missense alteration is located in a region that has a low rate of benign missense variation (Lek, 2016; Firth, 2009). The p.E181 amino acid is located within the conserved RNA recognition motif 1 (RRM1), one of 2 motifs within the protein that participate in single-stranded DNA recognition (Crichlow, 2008). The in silico prediction for this alteration is inconclusive. Based on the available evidence, this alteration is classified as pathogenic.

Revvity Omics, Revvity
Classification: Likely pathogenic for 8q24.3 microdeletion syndrome. Last evaluated: 2024-02-17. Review status: criteria provided, single submitter. Criteria: ACMG Guidelines, 2015. Collection method: clinical testing. Allele origin: germline.

GeneDx
Classification: Pathogenic. Last evaluated: 2023-01-03. Review status: criteria provided, single submitter. Criteria: GeneDx Variant Classification Process June 2021. Collection method: clinical testing. Allele origin: germline. Affected: yes.
Comment: Published functional studies demonstrate reduced PUF60 protein abundance and activity (Krlovicov et al., 2018); Not observed at significant frequency in large population cohorts (gnomAD); This variant is associated with the following publications: (PMID: 28135719, 31785789, 28074499, 28327570, 29788428, 28471317)

Bristol Genetics Laboratory, North Bristol NHS Trust
Classification: Likely pathogenic. Last evaluated: 2017-01-19. Review status: criteria provided, single submitter. Criteria: ACGS Guidelines, 2013. Collection method: research. Allele origin: de novo. Affected: yes. Observed: 1 heterozygote.

OMIM
Classification: Pathogenic for VERHEIJ SYNDROME. Last evaluated: 2018-12-21. Review status: no assertion criteria provided. Collection method: literature only. Allele origin: germline. Not counted in ClinVar's aggregate classification.

Literature cited by the submitters: PubMed 29788428 (cited by 3billion); PubMed 28471317 (cited by 3 submitters); PubMed 28327570 (cited by 3 submitters); PubMed 18059478 (cited by Ambry Genetics); PubMed 28074499 (cited by Ambry Genetics and OMIM).

NM_078480.3(PUF60):c.541G>A (p.Glu181Lys)

Gene: PUF60 (poly(U) binding splicing factor 60; minus strand). Cytogenetic location: 8q24.3.
Variant type: single nucleotide variant.
Coding change: c.541G>A on transcript NM_078480.3 (MANE Select); coding-DNA position 541, G replaced by A.
Protein change: p.Glu181Lys; replaces glutamic acid 181 with lysine.
Molecular consequence: missense variant.
Genome position (GRCh38, 1-based): chr8:143,818,255, C>T on the plus strand (G>A on the coding strand, the complement: PUF60 is on the minus strand). VCF-style: chr8-143818255-C-T. GRCh37 (hg19) VCF-style: chr8-144900425-C-T.
Other names: c.412G>A, p.Glu138Lys (NM_001136033.3); c.487G>A, p.Glu163Lys (NM_001271096.2); c.403G>A, p.Glu135Lys (NM_001271097.2); c.538G>A, p.Glu180Lys (NM_001271098.2); c.454G>A, p.Glu152Lys (NM_001271099.2); c.361G>A, p.Glu121Lys (NM_001271100.2); c.652G>A, p.Glu218Lys (NM_001362895.2, NM_001362896.2); c.601G>A, p.Glu201Lys (NM_001362897.2); and 1 more; short protein forms E181K, E180K, E201K, E121K, E135K, E163K, E164K, E138K.
Identifiers: ClinVar variation 425567 (VCV000425567.10), dbSNP rs1085307135, ClinGen allele CA372492650.